The following is an entry in ClinVar:

NM_080680.3(COL11A2):c.826G>A (p.Glu276Lys)

Gene: COL11A2 (collagen type XI alpha 2 chain; minus strand). Cytogenetic location: 6p21.32.
Variant type: single nucleotide variant.
Coding change: c.826G>A on transcript NM_080680.3 (MANE Select); coding-DNA position 826, G replaced by A.
Protein change: p.Glu276Lys; replaces glutamic acid 276 with lysine.
Molecular consequence: missense variant. On other transcripts: intron variant (2).
Genome position (GRCh38, 1-based): chr6:33,185,751, C>T on the plus strand (G>A on the coding strand, the complement: COL11A2 is on the minus strand). VCF-style: chr6-33185751-C-T. GRCh37 (hg19) VCF-style: chr6-33153528-C-T.
Other names: c.798+876G>A (NM_080679.3); c.799-697G>A (NM_080681.3); short protein forms E276K.
Identifiers: ClinVar variation 46569 (VCV000046569.29), dbSNP rs9277934, ClinGen allele CA138636.
Genomic context (GRCh38, chr6:33,185,751, plus strand): 5'-TTGAGTTTACCTGATAATCAGGGGTTGTCCCCGTAGTCATCACATCATAATAGGGGGGCT[C>T]GTAGTCATAGTAGAGAGACTCAGTGGGCTGGGATTGGGGGGTGGGCATAGACAGGAAGGG-3'
Protein context (NP_542411.2, residues 266-286): QPTESLYYDY[Glu276Lys]PPYYDVMTTG

ClinVar aggregate classification (germline): Benign/Likely benign. Review status: criteria provided, multiple submitters, no conflicts (2 of 4 stars). 17 submissions from 12 submitters: Benign (14); Likely benign (1). 2 of the submissions do not count toward it. Last evaluated 2026-05-08.

Conditions:
Fibrochondrogenesis 2 (FBCG2). Identifiers: Orphanet 2021, MedGen C3281128, MONDO:0013795, OMIM 614524.
Autosomal recessive nonsyndromic hearing loss 53. Identifiers: Orphanet 90636, MedGen C1864746, MONDO:0012333, OMIM 609706.
Autosomal dominant nonsyndromic hearing loss 13. Identifiers: Orphanet 90635, MedGen C1866095, MONDO:0011159, OMIM 601868.
Otospondylomegaepiphyseal dysplasia, autosomal recessive (OSMEDB). Also called: CHONDRODYSTROPHY WITH SENSORINEURAL DEAFNESS; Insley-Astley syndrome. Identifiers: Orphanet 1427, MedGen CN034493, MONDO:0044206, OMIM 215150.
Otospondylomegaepiphyseal dysplasia, autosomal dominant (OSMEDA). Also called: COL11A2-Related Stickler Syndrome; Stickler syndrome, type 3; Pierre Robin syndrome with fetal chondrodysplasia. Identifiers: Orphanet 166100, Orphanet 3450, MedGen C1848488, MONDO:0008490, OMIM 184840.

Allele frequency attached by ClinVar (database versions not stated): TOPMed 0.31783; 1000 Genomes Project 0.32188; 1000 Genomes Project 30x 0.32511; ESP Exome Variant Server 0.33321.
gnomAD v4.1: 419,339 of 1,340,386 alleles (31%); highest among the groups gnomAD compares: South Asian, 39%; 67,232 homozygotes.

Submissions (17):

Women's Health and Genetics/Laboratory Corporation of America, LabCorp
Classification: Likely benign. Last evaluated: 2026-05-08. Review status: criteria provided, single submitter. Criteria: LabCorp Variant Classification Summary - May 2015. Collection method: clinical testing. Allele origin: germline.

Labcorp Genetics (formerly Invitae), Labcorp
Classification: Benign. Last evaluated: 2026-02-04. Review status: criteria provided, single submitter. Criteria: Invitae Variant Classification Sherloc (09022015). Collection method: clinical testing. Allele origin: germline.

Blueprint Genetics
Classification: Benign. Last evaluated: 2024-11-27. Review status: criteria provided, single submitter. Criteria: ACMG Guidelines, 2015. Collection method: clinical testing. Allele origin: germline.

Genome-Nilou Lab
Classification: Benign for Autosomal dominant nonsyndromic hearing loss 13. Last evaluated: 2021-07-22. Review status: criteria provided, single submitter. Criteria: ACMG Guidelines, 2015. Collection method: clinical testing. Allele origin: germline. Affected: no.

Genome-Nilou Lab
Classification: Benign for Autosomal recessive nonsyndromic hearing loss 53. Last evaluated: 2021-07-22. Review status: criteria provided, single submitter. Criteria: ACMG Guidelines, 2015. Collection method: clinical testing. Allele origin: germline. Affected: no.

Genome-Nilou Lab
Classification: Benign for Fibrochondrogenesis 2. Last evaluated: 2021-07-22. Review status: criteria provided, single submitter. Criteria: ACMG Guidelines, 2015. Collection method: clinical testing. Allele origin: germline. Affected: no.

Genome-Nilou Lab
Classification: Benign for Otospondylomegaepiphyseal dysplasia, autosomal dominant. Last evaluated: 2021-07-22. Review status: criteria provided, single submitter. Criteria: ACMG Guidelines, 2015. Collection method: clinical testing. Allele origin: germline. Affected: no.

Genome-Nilou Lab
Classification: Benign for Otospondylomegaepiphyseal dysplasia, autosomal recessive. Last evaluated: 2021-07-22. Review status: criteria provided, single submitter. Criteria: ACMG Guidelines, 2015. Collection method: clinical testing. Allele origin: germline. Affected: no.

Mayo Clinic Laboratories, Mayo Clinic
Classification: Benign. Last evaluated: 2020-10-02. Review status: criteria provided, single submitter. Criteria: ACMG Guidelines, 2015. Collection method: clinical testing. Allele origin: germline. Observed: 79 variant alleles.

Illumina Laboratory Services, Illumina
Classification: Benign for Otospondylomegaepiphyseal dysplasia, autosomal recessive. Last evaluated: 2018-01-13. Review status: criteria provided, single submitter. Criteria: ICSL Variant Classification Criteria 13 December 2019. Collection method: clinical testing. Allele origin: germline.
Comment: This variant was observed in the ICSL laboratory as part of a predisposition screen in an ostensibly healthy population. It had not been previously curated by ICSL or reported in the Human Gene Mutation Database (HGMD: prior to June 1st, 2018), and was therefore a candidate for classification through an automated scoring system. Utilizing variant allele frequency, disease prevalence and penetrance estimates, and inheritance mode, an automated score was calculated to assess if this variant is too frequent to cause the disease. Based on the score and internal cut-off values, a variant classified as benign is not then subjected to further curation. The score for this variant resulted in a classification of benign for this disease.

Illumina Laboratory Services, Illumina
Classification: Benign for Fibrochondrogenesis 2. Last evaluated: 2018-01-13. Review status: criteria provided, single submitter. Criteria: ICSL Variant Classification Criteria 13 December 2019. Collection method: clinical testing. Allele origin: germline.
Comment: the same text as in the submission from Illumina Laboratory Services, Illumina above.

Eurofins Ntd Llc (ga)
Classification: Benign. Last evaluated: 2016-12-15. Review status: criteria provided, single submitter. Criteria: EGL Classification Definitions 2015. Collection method: clinical testing. Allele origin: germline. Observed: 1 variant allele, 1 homozygote.

GeneDx
Classification: Benign. Last evaluated: 2016-09-29. Review status: criteria provided, single submitter. Criteria: GeneDx Variant Classification (06012015). Collection method: clinical testing. Allele origin: germline. Affected: yes.
Comment: This variant is considered likely benign or benign based on one or more of the following criteria: it is a conservative change, it occurs at a poorly conserved position in the protein, it is predicted to be benign by multiple in silico algorithms, and/or has population frequency not consistent with disease.

Laboratory for Molecular Medicine, Mass General Brigham Personalized Medicine
Classification: Benign. Last evaluated: 2012-05-07. Review status: criteria provided, single submitter. Criteria: LMM Criteria. Collection method: clinical testing. Allele origin: germline. Observed: 902 variant alleles.
Comment: Glu276Lys in Exon 06 of COL11A2: This variant is not expected to have clinical s ignificance because it has been identified in 36.5% (1108/3032) of African Ameri can chromosomes from a broad population by the NHLBI Exome Sequencing Project (dbSNP rs9277934).

PreventionGenetics, part of Exact Sciences
Classification: Benign. Review status: criteria provided, single submitter. Criteria: ACMG Guidelines, 2015. Collection method: clinical testing. Allele origin: germline.

Diagnostic Laboratory, Department of Genetics, University Medical Center Groningen
Classification: Benign. Review status: no assertion criteria provided. Collection method: clinical testing. Allele origin: germline. Affected: yes. Study: VKGL Data-share Consensus. Not counted in ClinVar's aggregate classification.

Genome Diagnostics Laboratory, Amsterdam University Medical Center
Classification: Benign. Review status: no assertion criteria provided. Collection method: clinical testing. Allele origin: germline. Affected: yes. Study: VKGL Data-share Consensus. Not counted in ClinVar's aggregate classification.